The following is an entry in ClinVar:

ClinVar aggregate classification (germline): Pathogenic (1 of 4 stars; one submission).

Conditions:
Retinoblastoma (RB1). Also called: RETINOBLASTOMA, SOMATIC. Identifiers: Orphanet 790, MedGen C0035335, MeSH D012175, MONDO:0008380, OMIM 180200, HP:0009919. Disease mechanism: loss of function. Inheritance: Both sporadic and heritable forms are tested..

Submission:

Labcorp Genetics (formerly Invitae), Labcorp
Classification: Pathogenic for Retinoblastoma. Last evaluated: 2023-11-24. Review status: criteria provided, single submitter. Criteria: Invitae Variant Classification Sherloc (09022015). Collection method: clinical testing. Allele origin: germline.
Comment: This sequence change creates a premature translational stop signal (p.Ser567*) in the RB1 gene. It is expected to result in an absent or disrupted protein product. Loss-of-function variants in RB1 are known to be pathogenic (PMID: 17096365). This variant is not present in population databases (gnomAD no frequency). This variant has not been reported in the literature in individuals affected with RB1-related conditions. For these reasons, this variant has been classified as Pathogenic.

Literature cited by the submitters: PubMed 17096365.

NM_000321.3(RB1):c.1700C>G (p.Ser567Ter)

Gene: RB1 (RB transcriptional corepressor 1; plus strand). Cytogenetic location: 13q14.2.
Variant type: single nucleotide variant.
Coding change: c.1700C>G on transcript NM_000321.3 (MANE Select); coding-DNA position 1700, C replaced by G.
Protein change: p.Ser567Ter; replaces serine 567 with a stop codon.
Molecular consequence: nonsense.
Genome position (GRCh38, 1-based): chr13:48,452,997, C>G. VCF-style: chr13-48452997-C-G. GRCh37 (hg19) VCF-style: chr13-49027133-C-G.
Other names: c.1700C>G, p.Ser567Ter (NM_001407165.1); short protein forms S567*.
Identifiers: ClinVar variation 2698553 (VCV002698553.3), dbSNP rs137853292, ClinGen allele CA388165432.
Genomic context (GRCh38, chr13:48,452,997, plus strand): 5'-TACCTGGGAAAATTATGCTTACTAATGTGGTTTTAATTTCATCATGTTTCATATAGGATT[C>G]ACCTTTATTTGATCTTATTAAACAATCAAAGGACCGAGAAGGACCAACTGATCACCTTGA-3'